The following is an entry in ClinVar:

ClinVar aggregate classification (germline): Uncertain significance (1 of 4 stars; one submission).

gnomAD v4.1: 2 of 1,539,414 alleles (0.00013%); highest among the groups gnomAD compares: Admixed American, 0.0041%; no homozygotes.

Submission:

Labcorp Genetics (formerly Invitae), Labcorp
Classification: Uncertain significance. Last evaluated: 2021-09-02. Review status: criteria provided, single submitter. Criteria: Invitae Variant Classification Sherloc (09022015). Collection method: clinical testing. Allele origin: germline.
Comment: This sequence change replaces tyrosine with phenylalanine at codon 827 of the CACNA1E protein (p.Tyr827Phe). The tyrosine residue is moderately conserved and there is a small physicochemical difference between tyrosine and phenylalanine. This variant is not present in population databases (ExAC no frequency). This variant has not been reported in the literature in individuals affected with CACNA1E-related conditions. Advanced modeling of protein sequence and biophysical properties (such as structural, functional, and spatial information, amino acid conservation, physicochemical variation, residue mobility, and thermodynamic stability) performed at Invitae indicates that this missense variant is not expected to disrupt CACNA1E protein function. In summary, the available evidence is currently insufficient to determine the role of this variant in disease. Therefore, it has been classified as a Variant of Uncertain Significance.

NM_001205293.3(CACNA1E):c.2480A>T (p.Tyr827Phe)

Gene: CACNA1E (calcium voltage-gated channel subunit alpha1 E; plus strand). Cytogenetic location: 1q25.3.
Variant type: single nucleotide variant.
Coding change: c.2480A>T on transcript NM_001205293.3 (MANE Select); coding-DNA position 2480, A replaced by T.
Protein change: p.Tyr827Phe; replaces tyrosine 827 with phenylalanine.
Molecular consequence: missense variant.
Genome position (GRCh38, 1-based): chr1:181,732,566, A>T. VCF-style: chr1-181732566-A-T. GRCh37 (hg19) VCF-style: chr1-181701702-A-T.
Other names: c.2480A>T, p.Tyr827Phe (NM_000721.4); c.2423A>T, p.Tyr808Phe (NM_001205294.2); short protein forms Y808F, Y827F.
Identifiers: ClinVar variation 1414590 (VCV001414590.6), dbSNP rs778587785, ClinGen allele CA343617442.